The following is an entry in ClinVar:

ClinVar aggregate classification (germline): Benign. Review status: criteria provided, multiple submitters, no conflicts (2 of 4 stars). 3 submissions from 3 submitters: Benign (3). Last evaluated 2024-01-24.

Allele frequency attached by ClinVar (database versions not stated): 1000 Genomes Project 0.13618; 1000 Genomes Project 30x 0.13773; gnomAD 0.15224 and 0.15338; TOPMed 0.15845; ESP Exome Variant Server 0.17477.
gnomAD v4.1: 258,987 of 1,596,328 alleles (16%); highest among the groups gnomAD compares: African/African-American, 17%; 21,925 homozygotes.

Submissions (3):

Unidad de Genómica Garrahan, Hospital de Pediatría Garrahan
Classification: Benign. Last evaluated: 2024-01-24. Review status: criteria provided, single submitter. Criteria: ACMG Guidelines, 2015. Collection method: clinical testing. Allele origin: germline. Affected: no. Observed: 26 variant alleles.
Comment: This variant is classified as Benign based on local population frequency. This variant was detected in 27% of patients studied by a panel of primary immunodeficiencies. Number of patients: 26. Only high quality variants are reported.

GeneDx
Classification: Benign. Last evaluated: 2018-11-12. Review status: criteria provided, single submitter. Criteria: GeneDx Variant Classification Process June 2021. Collection method: clinical testing. Allele origin: germline. Affected: yes.

Breakthrough Genomics
Classification: Benign. Review status: criteria provided, single submitter. Criteria: ACMG Guidelines, 2015. Collection method: not provided. Allele origin: germline. Inheritance: Unknown mechanism. Affected: yes.

NM_003808.4(TNFSF13):c.*263C>T

Genes: TNFSF12-TNFSF13 (TNFSF12-TNFSF13 readthrough; plus strand), TNFSF13 (TNF superfamily member 13; plus strand). Cytogenetic location: 17p13.1.
Variant type: single nucleotide variant.
Coding change: c.*263C>T on transcript NM_003808.4 (MANE Select); 263 bases downstream of the stop codon, C replaced by T.
Molecular consequence: 3 prime UTR variant. On other transcripts: non-coding transcript variant (1).
Genome position (GRCh38, 1-based): chr17:7,561,096, C>T. VCF-style: chr17-7561096-C-T. GRCh37 (hg19) VCF-style: chr17-7464413-C-T.
Other names: c.*263C>T (NM_172089.4, NM_001198622.2, NM_001198623.2 and 2 more transcripts); c.*91C>T (NM_172088.4).
Identifiers: ClinVar variation 1230540 (VCV001230540.6), dbSNP rs6608, ClinGen allele CA14444622.